The following is an entry in ClinVar:

NM_001382430.1(AKT1):c.404A>G (p.Glu135Gly)

Gene: AKT1 (AKT serine/threonine kinase 1; minus strand). Cytogenetic location: 14q32.33.
Variant type: single nucleotide variant.
Coding change: c.404A>G on transcript NM_001382430.1 (MANE Select); coding-DNA position 404, A replaced by G.
Protein change: p.Glu135Gly; replaces glutamic acid 135 with glycine.
Molecular consequence: missense variant.
Genome position (GRCh38, 1-based): chr14:104,775,683, T>C on the plus strand (A>G on the coding strand, the complement: AKT1 is on the minus strand). VCF-style: chr14-104775683-T-C. GRCh37 (hg19) VCF-style: chr14-105242020-T-C.
Other names: c.404A>G, p.Glu135Gly (NM_001014431.2, NM_001014432.2, NM_001382431.1 and 3 more transcripts); short protein forms E135G.
Identifiers: ClinVar variation 1737342 (VCV001737342.2), dbSNP rs2542149183, ClinGen allele CA391220024.
Genomic context (GRCh38, chr14:104,775,683, plus strand): 5'-GCACAGGCAGAAGTGGGGACAGGCCTCACCACGCGGTGCTTGGGCTTGGCCAGGGACACC[T>C]CCATCTCTTCAGCCCCTGAGTTGTCACTGGGTGAGCCCGACCGGAAGTCCATCTCCTCCT-3'
Protein context (NP_001369359.1, residues 125-145): PSDNSGAEEM[Glu135Gly]VSLAKPKHRV

ClinVar aggregate classification (germline): Uncertain significance (1 of 4 stars; one submission).

Conditions:
Inborn genetic diseases. Identifiers: MedGen C0950123, MeSH D030342.

Submission:

Ambry Genetics
Classification: Uncertain significance for Inborn genetic diseases. Last evaluated: 2021-07-29. Review status: criteria provided, single submitter. Criteria: Ambry Variant Classification Scheme 2023. Collection method: clinical testing. Allele origin: germline.
Comment: The p.E135G variant (also known as c.404A>G), located in coding exon 4 of the AKT1 gene, results from an A to G substitution at nucleotide position 404. The glutamic acid at codon 135 is replaced by glycine, an amino acid with similar properties. This amino acid position is conserved. In addition, this alteration is predicted to be tolerated by in silico analysis. Since supporting evidence is limited at this time, the clinical significance of this alteration remains unclear.